The following is an entry in ClinVar:

NM_001329943.3(KIAA0586):c.1657-1G>A

Gene: KIAA0586 (KIAA0586; plus strand). Cytogenetic location: 14q23.1.
Variant type: single nucleotide variant.
Coding change: c.1657-1G>A on transcript NM_001329943.3 (MANE Select); the canonical splice acceptor site of the intron before coding-DNA position 1657, G replaced by A.
Molecular consequence: splice acceptor variant. On other transcripts: intron variant (1).
Genome position (GRCh38, 1-based): chr14:58,459,842, G>A. VCF-style: chr14-58459842-G-A. GRCh37 (hg19) VCF-style: chr14-58926560-G-A.
Other names: c.1816-1G>A (NM_001244189.2); c.1612-1G>A (NM_001244190.2); c.1525-1G>A (NM_001244192.2); c.1402-1G>A (NM_001244191.2, NM_001364701.2, NM_001329945.2 and 1 more transcripts); c.1657-1G>A (NM_001329944.2, NM_001329946.2, NM_001329947.2); c.1657-1144G>A (NM_014749.5); c.1237-1G>A (NM_001244193.2).
Identifiers: ClinVar variation 1338997 (VCV001338997.2), dbSNP rs2140873364, ClinGen allele CA389870322.
Genomic context (GRCh38, chr14:58,459,842, plus strand): 5'-TGATGTGAAAGCATTACTATTTGTAGACATTTTAAGTAATTTTAACTTTGGTTATGTTAA[G>A]GATGAACTGTCAAGAACAGATTATGAACAAAAAAGATTTGATCAGAAGAATCAGAGAACC-3'

ClinVar aggregate classification (germline): Likely pathogenic (1 of 4 stars; one submission).

Conditions:
Joubert syndrome 23 (JBTS23). Identifiers: Orphanet 475, MedGen C4084822, MONDO:0014664, OMIM 616490.

Submission:

Neuberg Centre For Genomic Medicine, NCGM
Classification: Likely pathogenic for Joubert syndrome 23. Review status: criteria provided, single submitter. Criteria: ACMG Guidelines, 2015. Collection method: clinical testing. Allele origin: germline. Affected: yes.
Comment: The splice acceptor variant c.1657-1G>A in KIAA0586 (NM_001329943.3) has not been reported previously as a pathogenic variant nor as a benign variant, to our knowledge. The c.1657-1G>A variant is novel (not in any individuals) in gnomAD Exomes and is novel (not in any individuals) in 1000 Genomes. This variant mutates a splice-acceptor sequence, potentially resulting in exon skipping and the production of abnormal proteins. For these reasons, this variant has been classified as Likely Pathogenic